The following is an entry in ClinVar:

ClinVar aggregate classification (germline): Uncertain significance. Review status: criteria provided, multiple submitters, no conflicts (2 of 4 stars). 4 submissions from 4 submitters: Uncertain significance (3). 1 of the submissions does not count toward it. Last evaluated 2024-09-30.

Conditions:
Short stature and advanced bone age, with or without early-onset osteoarthritis and/or osteochondritis dissecans (SSOAOD). Identifiers: Orphanet 251262, MedGen C3665488, MONDO:0100462, OMIM 165800.

Submissions (4):

Women's Health and Genetics/Laboratory Corporation of America, LabCorp
Classification: Uncertain significance. Last evaluated: 2024-09-30. Review status: criteria provided, single submitter. Criteria: LabCorp Variant Classification Summary - May 2015. Collection method: clinical testing. Allele origin: germline.
Comment: Variant summary: ACAN c.454G>A (p.Gly152Ser) results in a non-conservative amino acid change located in the Link domain (IPR000538) of the encoded protein sequence. Four of five in-silico tools predict a damaging effect of the variant on protein function. Several computational tools predict a significant impact on normal splicing: One predict the variant abolishes a 5' splicing donor site. Three predict the variant weakens a 5' donor site. However, these predictions have yet to be confirmed by functional studies. The frequency data for this variant in gnomAD is considered unreliable, as metrics indicate poor data quality at this position. To our knowledge, no occurrence of c.454G>A in individuals affected with ACAN-Related Disorders and no experimental evidence demonstrating its impact on protein function have been reported. ClinVar contains an entry for this variant (Variation ID: 1700881). Based on the evidence outlined above, the variant was classified as uncertain significance.

Labcorp Genetics (formerly Invitae), Labcorp
Classification: Uncertain significance. Last evaluated: 2023-11-15. Review status: criteria provided, single submitter. Criteria: Invitae Variant Classification Sherloc (09022015). Collection method: clinical testing. Allele origin: germline.
Comment: This sequence change replaces glycine, which is neutral and non-polar, with serine, which is neutral and polar, at codon 152 of the ACAN protein (p.Gly152Ser). This variant also falls at the last nucleotide of exon 3, which is part of the consensus splice site for this exon. This variant is not present in population databases (gnomAD no frequency). This variant has not been reported in the literature in individuals affected with ACAN-related conditions. ClinVar contains an entry for this variant (Variation ID: 1700881). Experimental studies and prediction algorithms are not available or were not evaluated, and the functional significance of this variant is currently unknown. Variants that disrupt the consensus splice site are a relatively common cause of aberrant splicing (PMID: 17576681, 9536098). Algorithms developed to predict the effect of sequence changes on RNA splicing suggest that this variant may disrupt the consensus splice site. In summary, the available evidence is currently insufficient to determine the role of this variant in disease. Therefore, it has been classified as a Variant of Uncertain Significance.

GeneDx
Classification: Uncertain significance. Last evaluated: 2022-02-11. Review status: criteria provided, single submitter. Criteria: GeneDx Variant Classification Process June 2021. Collection method: clinical testing. Allele origin: germline. Affected: yes.
Comment: In silico analysis supports that this missense variant has a deleterious effect on protein structure/function; Has not been previously published as pathogenic or benign to our knowledge

Autoinflammatory diseases unit, CHU de Montpellier
Classification: Likely pathogenic for Short stature and advanced bone age, with or without early-onset osteoarthritis and/or osteochondritis dissecans. Last evaluated: 2024-03-29. Review status: no assertion criteria provided. Collection method: clinical testing. Allele origin: inherited. Affected: yes. Not counted in ClinVar's aggregate classification.

Literature cited by the submitters: PubMed 17576681 (cited by Labcorp Genetics (formerly Invitae), Labcorp); PubMed 9536098 (cited by Labcorp Genetics (formerly Invitae), Labcorp).

NM_001369268.1(ACAN):c.454G>A (p.Gly152Ser)

Gene: ACAN (aggrecan; plus strand). Cytogenetic location: 15q26.1.
Variant type: single nucleotide variant.
Coding change: c.454G>A on transcript NM_001369268.1 (MANE Select); coding-DNA position 454, G replaced by A.
Protein change: p.Gly152Ser; replaces glycine 152 with serine.
Molecular consequence: missense variant.
Genome position (GRCh38, 1-based): chr15:88,839,046, G>A. VCF-style: chr15-88839046-G-A. GRCh37 (hg19) VCF-style: chr15-89382277-G-A.
Other names: c.454G>A, p.Gly152Ser (NM_001135.4, NM_013227.4); short protein forms G152S.
Identifiers: ClinVar variation 1700881 (VCV001700881.7), dbSNP rs1385830351, ClinGen allele CA393716664.